The following is an entry in ClinVar:

ClinVar aggregate classification (germline): Benign/Likely benign. Review status: criteria provided, multiple submitters, no conflicts (2 of 4 stars). 4 submissions from 4 submitters: Benign (1); Likely benign (3). Last evaluated 2026-02-15.

Conditions:
COL5A1-related disorder. Also called: COL5A1-related condition.
Ehlers-Danlos syndrome, classic type, 1 (EDSCL1). Also called: Ehlers-Danlos syndrome, type 1; EDS I; EHLERS-DANLOS SYNDROME, GRAVIS TYPE; EHLERS-DANLOS SYNDROME, SEVERE CLASSIC TYPE; Ehlers-Danlos Syndrome, Classic Type, COL5A1-Related. Identifiers: MedGen C0268335, MONDO:0019567, OMIM 130000.

gnomAD v4.1: 27 of 1,613,804 alleles (0.0017%); highest among the groups gnomAD compares: Admixed American, 0.005%; no homozygotes.

Submissions (4):

PreventionGenetics, part of Exact Sciences
Classification: Likely benign for COL5A1-related condition. Last evaluated: 2026-02-15. Review status: criteria provided, single submitter. Criteria: ACMG Guidelines, 2015. Collection method: clinical testing. Allele origin: germline.
Comment: This variant is classified as likely benign based on ACMG/AMP sequence variant interpretation guidelines (Richards et al. 2015 PMID: 25741868, with internal and published modifications).

Labcorp Genetics (formerly Invitae), Labcorp
Classification: Likely benign for Ehlers-Danlos syndrome, classic type, 1. Last evaluated: 2026-01-19. Review status: criteria provided, single submitter. Criteria: Invitae Variant Classification Sherloc (09022015). Collection method: clinical testing. Allele origin: germline.

Blueprint Genetics
Classification: Likely benign. Last evaluated: 2024-11-08. Review status: criteria provided, single submitter. Criteria: ACMG Guidelines, 2015. Collection method: clinical testing. Allele origin: germline.

GeneDx
Classification: Benign. Last evaluated: 2017-07-21. Review status: criteria provided, single submitter. Criteria: GeneDx Variant Classification Process June 2021. Collection method: clinical testing. Allele origin: germline. Affected: yes.

NM_000093.5(COL5A1):c.787-9C>T

Gene: COL5A1 (collagen type V alpha 1 chain; plus strand). Cytogenetic location: 9q34.3.
Variant type: single nucleotide variant.
Coding change: c.787-9C>T on transcript NM_000093.5 (MANE Select); 9 bases into the intron before coding-DNA position 787, C replaced by T.
Molecular consequence: intron variant.
Genome position (GRCh38, 1-based): chr9:134,728,661, C>T. VCF-style: chr9-134728661-C-T. GRCh37 (hg19) VCF-style: chr9-137620507-C-T.
Other names: c.787-9C>T (NM_001278074.1).
Identifiers: ClinVar variation 365708 (VCV000365708.18), dbSNP rs751472921, ClinGen allele CA5318538.
Genomic context (GRCh38, chr9:134,728,661, plus strand): 5'-AGGAAGGACAGCAGGCTGGTCGCTCTGCGGGCTCCGCTGCTTCCTCACGGGGCCGCAATT[C>T]GCTTTCAGTACACGGAAGGAGACGGCGAGGGTGAGACCTATTACTACGAATACCCCTACT-3'